The following is an entry in ClinVar:

ClinVar aggregate classification (germline): Uncertain significance. Review status: criteria provided, multiple submitters, no conflicts (2 of 4 stars). 7 submissions from 7 submitters: Uncertain significance (6). 1 of the submissions does not count toward it. Last evaluated 2025-02-18.

Conditions:
von Willebrand disease type 2 (VWD2). Also called: VON WILLEBRAND DISEASE, TYPE 2A/IIE; VON WILLEBRAND DISEASE, TYPE 2CB; VWD, TYPE 2; VON WILLEBRAND DISEASE, TYPE II. Identifiers: Orphanet 166081, Orphanet 903, MedGen C1264040, MONDO:0013304, OMIM 613554.
von Willebrand disease type 1 (VWD1). Also called: VWD, TYPE 1; VON WILLEBRAND DISEASE, TYPE I. Identifiers: Orphanet 166078, Orphanet 903, MedGen C1264039, MONDO:0008668, OMIM 193400. Inheritance: autosomal recessive or autosomal dominant.
von Willebrand disease type 3 (VWD3). Also called: Type 3 VWD; Von Willebrand disease, severe form; V WD3; VON WILLEBRAND DISEASE, TYPE III; Type 3 Von Willebrand's disease. Identifiers: Orphanet 166096, MedGen C1264041, MONDO:0010191, OMIM 277480.

Allele frequency attached by ClinVar (database versions not stated): TOPMed 0.00003; ExAC 0.00004; gnomAD exomes 0.00004; gnomAD 0.00006 and 0.00007; 1000 Genomes Project 30x 0.00016; 1000 Genomes Project 0.00020.
gnomAD v4.1: 132 of 1,613,756 alleles (0.0082%); highest among the groups gnomAD compares: Admixed American, 0.017%; no homozygotes.

Submissions (7):

Women's Health and Genetics/Laboratory Corporation of America, LabCorp
Classification: Uncertain significance. Last evaluated: 2025-02-18. Review status: criteria provided, single submitter. Criteria: LabCorp Variant Classification Summary - May 2015. Collection method: clinical testing. Allele origin: germline.
Comment: Variant summary: VWF c.4747C>T (p.Arg1583Trp) results in a non-conservative amino acid change in the encoded protein sequence. Three of five in-silico tools predict a damaging effect of the variant on protein function. The variant allele was found at a frequency of 3.6e-05 in 251072 control chromosomes. The available data on variant occurrences in the general population are insufficient to allow any conclusion about variant significance. c.4747C>T has been reported in the literature in individuals undergoing diagnostic work up for Von Willebrand Disease and has been frequently reported with normal VWF multimeric analysis findings (example, Goodeve_2007, Favaloro_2010, Veyradier_2016, Borras_2017, Perez-Rodriguez_2018). These report(s) do not provide unequivocal conclusions about association of the variant with Von Willebrand Disease. To our knowledge, no experimental evidence demonstrating an impact on protein function has been reported. The following publications have been ascertained in the context of this evaluation (PMID: 28971901, 19453940, 16985174, 27443694, 29924855, 26986123, 37647632). ClinVar contains an entry for this variant (Variation ID: 100388). Based on the evidence outlined above, the variant was classified as uncertain significance.

GeneDx
Classification: Uncertain significance. Last evaluated: 2025-02-04. Review status: criteria provided, single submitter. Criteria: GeneDx Variant Classification Process June 2021. Collection method: clinical testing. Allele origin: germline. Affected: yes.
Comment: Reported in patients with von Willebrand disease in the published literature (PMID: 16985174, 26986123, 18230755, 28971901); In silico analysis indicates that this missense variant does not alter protein structure/function; This variant is associated with the following publications: (PMID: 18230755, 26986123, 16985174, 29924855, 25103891, 28971901, 23216583, 19453940, 37647632)

ARUP Laboratories, Molecular Genetics and Genomics, ARUP Laboratories
Classification: Uncertain significance. Last evaluated: 2024-06-11. Review status: criteria provided, single submitter. Criteria: ARUP Molecular Germline Variant Investigation Process 2024. Collection method: clinical testing. Allele origin: germline.
Comment: The VWF c.4747C>T; p.Arg1583Trp variant (rs61750116, ClinVar Variation ID: 100388) is reported in the literature in individuals with suspected von Willebrand disease, type 1 or type 2A (Borras 2017, Castaman 2008, Goodeve 2007, Perez-Rodriguez 2018, Veyradier 2016). This variant is found in the general population with an overall allele frequency of 0.004% (11/282,446 alleles) in the Genome Aggregation Database (v2.1.1). Computational analyses are uncertain whether this variant is neutral or deleterious (REVEL: 0.585). In vitro functional analyses demonstrate similar pseudo-Weibel-Palade body formation, secretion, and multimer patterns compared to wild type VWF-protein (Groeneveld 2014). However, due to conflicting information, the clinical significance of this variant is uncertain at this time. References: Borras N et al. Molecular and clinical profile of von Willebrand disease in Spain (PCM-EVW-ES): comprehensive genetic analysis by next-generation sequencing of 480 patients. Haematologica. 2017 Dec;102(12):2005-2014. PMID: 28971901. Castaman G et al. Response to desmopressin is influenced by the genotype and phenotype in type 1 von Willebrand disease (VWD): results from the European Study MCMDM-1VWD. Blood. 2008 Apr 1;111(7):3531-9. PMID: 18230755. Goodeve A et al. Phenotype and genotype of a cohort of families historically diagnosed with type 1 von Willebrand disease in the European study, Molecular and Clinical Markers for the Diagnosis and Management of Type 1 von Willebrand Disease (MCMDM-1VWD). Blood. 2007 Jan 1;109(1):112-21. PMID: 16985174. Groeneveld DJ et al. Storage and secretion of naturally occurring von Willebrand factor A domain variants. Br J Haematol. 2014 Nov;167(4):529-40. PMID: 25103891. Perez-Rodriguez A et al. Role of multimeric analysis of von Willebrand factor (VWF) in von Willebrand disease (VWD) diagnosis: Lessons from the PCM-EVW-ES Spanish project. PLoS One. 2018 Jun 20;13(6):e0197876. PMID: 29924855. Veyradier A et al. A Laboratory Phenotype/Genotype Correlation of 1167 French Patients From 670 Families With von Willebrand Disease: A New Epidemiologic Picture. Medicine (Baltimore). 2016 Mar;95(11):e3038. PMID: 26986123.

Molecular Genetics and NGS Laboratory, Hospital Fundacion Valle Del Lili
Classification: Uncertain significance for von Willebrand disease type 1; von Willebrand disease type 3; von Willebrand disease type 2. Last evaluated: 2023-11-16. Review status: criteria provided, single submitter. Criteria: ACMG Guidelines, 2015. Collection method: clinical testing. Allele origin: germline. Affected: yes. Observed: 1 variant allele.

Blueprint Genetics
Classification: Uncertain significance. Last evaluated: 2023-09-29. Review status: criteria provided, single submitter. Criteria: ACMG Guidelines, 2015. Collection method: clinical testing. Allele origin: germline.

Quest Diagnostics Nichols Institute San Juan Capistrano
Classification: Uncertain significance. Last evaluated: 2018-11-16. Review status: criteria provided, single submitter. Criteria: Quest Diagnostics criteria. Collection method: clinical testing. Allele origin: germline.

Academic Unit of Haematology, University of Sheffield
No classification provided. Review status: no classification provided. Collection method: not provided. Allele origin: not provided. Not counted in ClinVar's aggregate classification.

Literature cited by the submitters: PubMed 16985174 (cited by Women's Health and Genetics/Laboratory Corporation of America, LabCorp and Quest Diagnostics Nichols Institute San Juan Capistrano); PubMed 27443694 (cited by Women's Health and Genetics/Laboratory Corporation of America, LabCorp and Quest Diagnostics Nichols Institute San Juan Capistrano); PubMed 28971901 (cited by Women's Health and Genetics/Laboratory Corporation of America, LabCorp and Quest Diagnostics Nichols Institute San Juan Capistrano); PubMed 26986123 (cited by Women's Health and Genetics/Laboratory Corporation of America, LabCorp and Quest Diagnostics Nichols Institute San Juan Capistrano); PubMed 19453940 (cited by Women's Health and Genetics/Laboratory Corporation of America, LabCorp and Quest Diagnostics Nichols Institute San Juan Capistrano); PubMed 29924855 (cited by Women's Health and Genetics/Laboratory Corporation of America, LabCorp); PubMed 37647632 (cited by Women's Health and Genetics/Laboratory Corporation of America, LabCorp); PubMed 19506362 (cited by Quest Diagnostics Nichols Institute San Juan Capistrano); PubMed 23216583 (cited by Quest Diagnostics Nichols Institute San Juan Capistrano); PubMed 25103891 (cited by Quest Diagnostics Nichols Institute San Juan Capistrano); PubMed 18230755 (cited by Quest Diagnostics Nichols Institute San Juan Capistrano).

NM_000552.5(VWF):c.4747C>T (p.Arg1583Trp)

Gene: VWF (von Willebrand factor; minus strand). Cytogenetic location: 12p13.31.
Variant type: single nucleotide variant.
Coding change: c.4747C>T on transcript NM_000552.5 (MANE Select); coding-DNA position 4747, C replaced by T.
Protein change: p.Arg1583Trp; replaces arginine 1583 with tryptophan.
Molecular consequence: missense variant.
Genome position (GRCh38, 1-based): chr12:6,018,671, G>A on the plus strand (C>T on the coding strand, the complement: VWF is on the minus strand). VCF-style: chr12-6018671-G-A. GRCh37 (hg19) VCF-style: chr12-6127837-G-A.
Other names: p.Arg1583Trp; short protein forms R1583W.
Identifiers: ClinVar variation 100388 (VCV000100388.11), dbSNP rs61750116, ClinGen allele CA228651.